The following is an entry in ClinVar:

NM_001372044.2:c.1116C>T (p.Ser372=)

Gene: SHANK3 (SH3 and multiple ankyrin repeat domains 3; plus strand). Cytogenetic location: 22q13.33.
Variant type: single nucleotide variant.
Molecular consequence: synonymous variant (on NM_001372044.2).
Genome position: GRCh38 VCF-style: chr22-50683345-C-T. GRCh37 (hg19) VCF-style: chr22-51121773-C-T.
Other names: c.1116C>T, p.Ser372= (NM_001372044.2).
Identifiers: ClinVar variation 589390 (VCV000589390.34), dbSNP rs201282170, ClinGen allele CA10325386.

ClinVar aggregate classification (germline): Benign/Likely benign. Review status: criteria provided, multiple submitters, no conflicts (2 of 4 stars). 6 submissions from 6 submitters: Benign (1); Likely benign (2). 3 of the submissions do not count toward it. Last evaluated 2026-07-01.

Conditions:
History of neurodevelopmental disorder. Identifiers: MedGen C2711754.

Allele frequency attached by ClinVar (database versions not stated): 1000 Genomes Project 0.00060; 1000 Genomes Project 30x 0.00062; TOPMed 0.00207; ESP Exome Variant Server 0.00228; gnomAD 0.00366 and 0.00386.

Submissions (6):

CeGaT Center for Human Genetics Tuebingen
Classification: Likely benign. Last evaluated: 2026-07-01. Review status: criteria provided, single submitter. Criteria: CeGaT Center For Human Genetics Tuebingen Variant Classification Criteria Version 2. Collection method: clinical testing. Allele origin: germline. Affected: yes. Observed: 13 variant alleles.
Comment: SHANK3: BP4, BP7, BS1

GeneDx
Classification: Likely benign. Last evaluated: 2021-06-22. Review status: criteria provided, single submitter. Criteria: GeneDx Variant Classification Process June 2021. Collection method: clinical testing. Allele origin: germline. Affected: yes.

Ambry Genetics
Classification: Benign for History of neurodevelopmental disorder. Last evaluated: 2017-06-25. Review status: criteria provided, single submitter. Criteria: Ambry Autosomal Dominant and X-Linked criteria (3/2017). Collection method: clinical testing. Allele origin: germline. Observed: 1 variant allele.
Comment: General population or subpopulation frequency is too high to be a pathogenic mutation based on disease/syndrome prevalence and penetrance;Synonymous alterations with insufficient evidence to classify as benign

Clinical Genetics DNA and cytogenetics Diagnostics Lab, Erasmus MC, Erasmus Medical Center
Classification: Likely benign. Review status: no assertion criteria provided. Collection method: clinical testing. Allele origin: germline. Affected: yes. Study: VKGL Data-share Consensus. Not counted in ClinVar's aggregate classification.

Clinical Genetics, Academic Medical Center
Classification: Benign. Review status: no assertion criteria provided. Collection method: clinical testing. Allele origin: germline. Affected: yes. Study: VKGL Data-share Consensus. Not counted in ClinVar's aggregate classification.

Laboratory of Diagnostic Genome Analysis, Leiden University Medical Center (LUMC)
Classification: Benign. Review status: no assertion criteria provided. Collection method: clinical testing. Allele origin: germline. Affected: yes. Study: VKGL Data-share Consensus. Not counted in ClinVar's aggregate classification.